The following continues an entry in ClinVar:

NM_000059.4(BRCA2):c.1096T>G (p.Leu366Val)

Gene: BRCA2. ClinVar aggregate classification (germline): Conflicting classifications of pathogenicity. Uncertain significance (7); Benign (1); Likely benign (6).

Submissions 9 to 16 of 16:

Color Diagnostics, LLC DBA Color Health
Classification: Uncertain significance for Hereditary cancer-predisposing syndrome. Last evaluated: 2023-10-25. Review status: criteria provided, single submitter. Criteria: ACMG Guidelines, 2015. Collection method: clinical testing. Allele origin: germline.
Comment: This missense variant replaces leucine with valine at codon 366 of the BRCA2 protein. Computational prediction is inconclusive regarding the impact of this variant on protein structure and function (internally defined REVEL score threshold 0.5 < inconclusive < 0.7, PMID: 27666373). To our knowledge, functional studies have not been reported for this variant. This variant has been reported in individuals affected with breast/ovarian cancer (PMID: 15937982, 21120943, 21769658, 24884479) and in unaffected individuals (PMID: 33471991; Leiden Open Variation Database DB-ID BRCA2_002071). This variant has been reported in a multifactorial analysis with segregation, tumor pathology, and co-occurrence likelihood ratios for pathogenicity of 0.9391, 1.07, and 1.025, respectively (PMID: 31131967). This variant has been identified in 7/249022 chromosomes in the general population by the Genome Aggregation Database (gnomAD). The available evidence is insufficient to determine the role of this variant in disease conclusively. Therefore, this variant is classified as a Variant of Uncertain Significance.

Myriad Genetics, Inc.
Classification: Benign for Breast-ovarian cancer, familial, susceptibility to, 2. Last evaluated: 2023-06-02. Review status: criteria provided, single submitter. Criteria: Myriad Autosomal Dominant, Autosomal Recessive and X-Linked Classification Criteria (2023). Collection method: clinical testing. Allele origin: unknown.
Comment: This variant is considered benign. This variant is strongly associated with less severe personal and family histories of cancer, typical for individuals without pathogenic variants in this gene [PMID: 25085752]. This variant has been observed in trans with a known pathogenic variant in one or more individuals lacking clinical features consistent with gene-specific recessive disease.

University of Washington Department of Laboratory Medicine, University of Washington
Classification: Likely benign for Hereditary cancer-predisposing syndrome. Last evaluated: 2023-03-23. Review status: criteria provided, single submitter. Criteria: Dines et al. (Genet Med. 2020). Collection method: curation. Allele origin: germline.
Comment: Missense variant in a coldspot region where missense variants are very unlikely to be pathogenic (PMID:31911673).

BRCA2 exon 10 coldspot. Reclassification based on statistical prior probability.

Sema4
Classification: Uncertain significance for Hereditary cancer-predisposing syndrome. Last evaluated: 2022-03-16. Review status: criteria provided, single submitter. Criteria: Sema4 Curation Guidelines. Collection method: curation. Allele origin: germline.
Comment: The BRCA2 c.1096T>G (p.L366V) variant has been reported in heterozygosity in at least 3 individuals with hereditary breast and/or ovarian cancer as well as two controls from a breast cancer case/control study (PMID: 15937982, 21120943, 21769658, 24884479, 33471991). It was observed in 5/34252 chromosomes of the Latino subpopulation in the large and broad cohorts of the Genome Aggregation Database (PMID: 32461654). The variant has been reported in ClinVar (Variation ID 89040). Functional studies have not been performed, and in silico predictions of the variant's effect on protein function are inconclusive. The evidence is insufficient to meet ACMG/AMP criteria for classifying the variant as benign or pathogenic. Thus, the clinical significance of this variant is currently uncertain.

GeneDx
Classification: Likely benign. Last evaluated: 2019-08-20. Review status: criteria provided, single submitter. Criteria: GeneDx Variant Classification Process June 2021. Collection method: clinical testing. Allele origin: germline. Affected: yes.
Comment: This variant is associated with the following publications: (PMID: 21769658, 21120943, 24884479, 23315985, 15937982)

Mendelics
Classification: Likely benign for Breast-ovarian cancer, familial, susceptibility to, 2. Last evaluated: 2019-05-28. Review status: criteria provided, single submitter. Criteria: Mendelics Assertion Criteria 2017. Collection method: clinical testing. Allele origin: unknown.

Sharing Clinical Reports Project (SCRP)
Classification: Uncertain significance for Breast-ovarian cancer, familial 2. Last evaluated: 2012-05-01. Review status: no assertion criteria provided. Collection method: clinical testing. Allele origin: germline. Not counted in ClinVar's aggregate classification.

Molecular Oncology -  Human Genetics Lab, University of Sao Paulo
Classification: Likely pathogenic for Hepatoblastoma. Review status: no assertion criteria provided. Collection method: research. Allele origin: germline. Affected: yes. Not counted in ClinVar's aggregate classification.

Literature cited by the submitters: PubMed 35534704 (cited by Quest Diagnostics Nichols Institute San Juan Capistrano and Women's Health and Genetics/Laboratory Corporation of America, LabCorp); PubMed 21769658 (cited by 7 submitters); PubMed 24884479 (cited by 7 submitters); PubMed 21120943 (cited by 5 submitters); PubMed 15937982 (cited by 7 submitters); PubMed 33471991 (cited by 5 submitters); PubMed 31911673 (cited by Quest Diagnostics Nichols Institute San Juan Capistrano); PubMed 35495172 (cited by Quest Diagnostics Nichols Institute San Juan Capistrano); PubMed 35980532 (cited by Quest Diagnostics Nichols Institute San Juan Capistrano); PubMed 23893897 (cited by Women's Health and Genetics/Laboratory Corporation of America, LabCorp); PubMed 25348012 (cited by Ambry Genetics); PubMed 30212499 (cited by Ambry Genetics); PubMed 31131967 (cited by All of Us Research Program, National Institutes of Health and Color Diagnostics, LLC DBA Color Health); PubMed 25085752 (cited by Myriad Genetics, Inc.).